The following is an entry in ClinVar:

NM_001267550.2(TTN):c.78370A>T (p.Ile26124Phe)

Genes: TTN (titin; minus strand), TTN-AS1 (TTN antisense RNA 1; plus strand). Cytogenetic location: 2q31.2.
Variant type: single nucleotide variant.
Coding change: c.78370A>T on transcript NM_001267550.2 (MANE Select); coding-DNA position 78370, A replaced by T.
Protein change: p.Ile26124Phe; replaces isoleucine 26124 with phenylalanine.
Molecular consequence: missense variant.
Genome position (GRCh38, 1-based): chr2:178,567,762, T>A on the plus strand (A>T on the coding strand, the complement: TTN is on the minus strand). VCF-style: chr2-178567762-T-A. GRCh37 (hg19) VCF-style: chr2-179432489-T-A.
Other names: c.73447A>T, p.Ile24483Phe (NM_001256850.1); c.51175A>T, p.Ile17059Phe (NM_003319.4); c.51550A>T, p.Ile17184Phe (NM_133432.3); c.51751A>T, p.Ile17251Phe (NM_133437.4); c.70666A>T, p.Ile23556Phe (NM_133378.4); short protein forms I26124F, I23556F, I17059F, I17184F, I17251F, I24483F.
Identifiers: ClinVar variation 47366 (VCV000047366.5), dbSNP rs397517713, ClinGen allele CA140810.

ClinVar aggregate classification (germline): Uncertain significance (1 of 4 stars; one submission).

Submission:

Laboratory for Molecular Medicine, Mass General Brigham Personalized Medicine
Classification: Uncertain significance. Last evaluated: 2012-04-18. Review status: criteria provided, single submitter. Criteria: LMM Criteria. Collection method: clinical testing. Allele origin: germline. Observed: 1 variant allele.
Comment: The Ile23556Phe variant (TTN) has not been reported in the literature nor previo usly idenitified by our laboratory. Computational analyses (biochemical amino ac id properties, conservation, PolyPhen2, and SIFT) suggest that the Ile23556Phe v ariant may impact the protein, though this information is not predictive enough to determine pathogenicity. Additional information is needed to fully assess the clinical significance of this variant.